The following is an entry in ClinVar:

NM_003500.4(ACOX2):c.1633-2A>G

Gene: ACOX2 (acyl-CoA oxidase 2; minus strand). Cytogenetic location: 3p14.3.
Variant type: single nucleotide variant.
Coding change: c.1633-2A>G on transcript NM_003500.4 (MANE Select); the canonical splice acceptor site of the intron before coding-DNA position 1633, A replaced by G.
Molecular consequence: splice acceptor variant.
Genome position (GRCh38, 1-based): chr3:58,517,425, T>C on the plus strand (A>G on the coding strand, the complement: ACOX2 is on the minus strand). VCF-style: chr3-58517425-T-C. GRCh37 (hg19) VCF-style: chr3-58503152-T-C.
Identifiers: ClinVar variation 1486084 (VCV001486084.6), dbSNP rs748931754, ClinGen allele CA2471988.

ClinVar aggregate classification (germline): Uncertain significance (1 of 4 stars; one submission).

Allele frequency attached by ClinVar (database versions not stated): gnomAD exomes below 0.00001 and 0.00001; ExAC 0.00001.
gnomAD v4.1: 2 of 1,613,138 alleles (0.00012%); highest among the groups gnomAD compares: South Asian, 0.0022%; no homozygotes.

Submission:

Labcorp Genetics (formerly Invitae), Labcorp
Classification: Uncertain significance. Last evaluated: 2022-10-13. Review status: criteria provided, single submitter. Criteria: Invitae Variant Classification Sherloc (09022015). Collection method: clinical testing. Allele origin: germline.
Comment: In summary, the available evidence is currently insufficient to determine the role of this variant in disease. Therefore, it has been classified as a Variant of Uncertain Significance. Algorithms developed to predict the effect of sequence changes on RNA splicing suggest that this variant may disrupt the consensus splice site. ClinVar contains an entry for this variant (Variation ID: 1486084). This variant has not been reported in the literature in individuals affected with ACOX2-related conditions. This variant is present in population databases (rs748931754, gnomAD 0.006%). This sequence change affects an acceptor splice site in intron 12 of the ACOX2 gene. It is expected to disrupt RNA splicing. Variants that disrupt the donor or acceptor splice site typically lead to a loss of protein function (PMID: 16199547), however the current clinical and genetic evidence is not sufficient to establish whether loss-of-function variants in ACOX2 cause disease.

Literature cited by the submitters: PubMed 16199547.